The following is an entry in ClinVar:

ClinVar aggregate classification (germline): Uncertain significance. Review status: criteria provided, multiple submitters, no conflicts (2 of 4 stars). 2 submissions from 2 submitters: Uncertain significance (2). Last evaluated 2025-11-24.

Conditions:
Inborn genetic diseases. Identifiers: MedGen C0950123, MeSH D030342.

Allele frequency attached by ClinVar (database versions not stated): gnomAD exomes below 0.00001.
gnomAD v4.1: 2 of 1,576,420 alleles (0.00013%); highest among the groups gnomAD compares: Admixed American, 0.0037%; no homozygotes.

Submissions (2):

Labcorp Genetics (formerly Invitae), Labcorp
Classification: Uncertain significance. Last evaluated: 2025-11-24. Review status: criteria provided, single submitter. Criteria: Invitae Variant Classification Sherloc (09022015). Collection method: clinical testing. Allele origin: germline.
Comment: This sequence change replaces proline, which is neutral and non-polar, with serine, which is neutral and polar, at codon 18 of the NR2E3 protein (p.Pro18Ser). This variant is present in population databases (rs754661615, gnomAD 0.004%). This variant has not been reported in the literature in individuals affected with NR2E3-related conditions. ClinVar contains an entry for this variant (Variation ID: 2148289). Invitae Evidence Modeling of protein sequence and biophysical properties (such as structural, functional, and spatial information, amino acid conservation, physicochemical variation, residue mobility, and thermodynamic stability) indicates that this missense variant is not expected to disrupt NR2E3 protein function with a negative predictive value of 95%. In summary, the available evidence is currently insufficient to determine the role of this variant in disease. Therefore, it has been classified as a Variant of Uncertain Significance.

Ambry Genetics
Classification: Uncertain significance for Inborn genetic diseases. Last evaluated: 2025-04-11. Review status: criteria provided, single submitter. Criteria: Ambry Variant Classification Scheme 2023. Collection method: clinical testing. Allele origin: germline.

NM_014249.4(NR2E3):c.52C>T (p.Pro18Ser)

Gene: NR2E3 (nuclear receptor subfamily 2 group E member 3; plus strand). Cytogenetic location: 15q23.
Variant type: single nucleotide variant.
Coding change: c.52C>T on transcript NM_014249.4 (MANE Select); coding-DNA position 52, C replaced by T.
Protein change: p.Pro18Ser; replaces proline 18 with serine.
Molecular consequence: missense variant.
Genome position (GRCh38, 1-based): chr15:71,810,795, C>T. VCF-style: chr15-71810795-C-T. GRCh37 (hg19) VCF-style: chr15-72103135-C-T.
Other names: c.52C>T, p.Pro18Ser (NM_016346.4); c.52C>T (NM_014249.2); short protein forms P18S.
Identifiers: ClinVar variation 2148289 (VCV002148289.3), dbSNP rs754661615, ClinGen allele CA7640180.